The following is an entry in ClinVar:

NM_014339.7(IL17RA):c.565A>G (p.Arg189Gly)

Gene: IL17RA (interleukin 17 receptor A; plus strand). Cytogenetic location: 22q11.1.
Variant type: single nucleotide variant.
Coding change: c.565A>G on transcript NM_014339.7 (MANE Select); coding-DNA position 565, A replaced by G.
Protein change: p.Arg189Gly; replaces arginine 189 with glycine.
Molecular consequence: missense variant.
Genome position (GRCh38, 1-based): chr22:17,102,010, A>G. VCF-style: chr22-17102010-A-G. GRCh37 (hg19) VCF-style: chr22-17582900-A-G.
Other names: c.565A>G, p.Arg189Gly (NM_001289905.2); short protein forms R189G.
Identifiers: ClinVar variation 999862 (VCV000999862.8), dbSNP rs774179962, ClinGen allele CA410212603.
Genomic context (GRCh38, chr22:17,102,010, plus strand): 5'-TCTGAAGGCAGAGGCTTAATGAGTTTCCTTTTTTCTGGGTCGACAGACTGTGAGCACGCC[A>G]GGATGAAGGTAACCACGCCATGCATGAGCTCAGGTAACAGCTGGCCCGGGAGAGCTTTAT-3'
Protein context (NP_055154.3, residues 179-199): NFLVPDCEHA[Arg189Gly]MKVTTPCMSS

ClinVar aggregate classification (germline): Uncertain significance (1 of 4 stars; one submission).

Conditions:
Immunodeficiency 51 (IMD51). Also called: CANDIDIASIS, FAMILIAL, 5. Identifiers: Orphanet 1334, MedGen C4310803, MONDO:0013500, OMIM 613953.

Allele frequency attached by ClinVar (database versions not stated): gnomAD 0.00001; TOPMed 0.00003.
gnomAD v4.1: 1 of 1,614,148 alleles (0.000062%); highest among the groups gnomAD compares: Admixed American, 0.0017%; no homozygotes.

Submission:

Labcorp Genetics (formerly Invitae), Labcorp
Classification: Uncertain significance for Immunodeficiency 51. Last evaluated: 2020-05-12. Review status: criteria provided, single submitter. Criteria: Invitae Variant Classification Sherloc (09022015). Collection method: clinical testing. Allele origin: germline.
Comment: In summary, the available evidence is currently insufficient to determine the role of this variant in disease. Therefore, it has been classified as a Variant of Uncertain Significance. Algorithms developed to predict the effect of missense changes on protein structure and function (SIFT, PolyPhen-2, Align-GVGD) all suggest that this variant is likely to be tolerated, but these predictions have not been confirmed by published functional studies and their clinical significance is uncertain. This variant has not been reported in the literature in individuals with IL17RA-related conditions. This variant is not present in population databases (ExAC no frequency). This sequence change replaces arginine with glycine at codon 189 of the IL17RA protein (p.Arg189Gly). The arginine residue is weakly conserved and there is a moderate physicochemical difference between arginine and glycine.